The following is an entry in ClinVar:

NM_019892.6(INPP5E):c.38C>T (p.Pro13Leu)

Gene: INPP5E (inositol polyphosphate-5-phosphatase E; minus strand). Cytogenetic location: 9q34.3.
Variant type: single nucleotide variant.
Coding change: c.38C>T on transcript NM_019892.6 (MANE Select); coding-DNA position 38, C replaced by T.
Protein change: p.Pro13Leu; replaces proline 13 with leucine.
Molecular consequence: missense variant.
Genome position (GRCh38, 1-based): chr9:136,439,382, G>A on the plus strand (C>T on the coding strand, the complement: INPP5E is on the minus strand). VCF-style: chr9-136439382-G-A. GRCh37 (hg19) VCF-style: chr9-139333834-G-A.
Other names: c.38C>T (NM_019892.5); c.38C>T, p.Pro13Leu (NM_001318502.2); short protein forms P13L.
Identifiers: ClinVar variation 1972074 (VCV001972074.5), dbSNP rs1453183713, ClinGen allele CA375571903.

ClinVar aggregate classification (germline): Uncertain significance. Review status: criteria provided, multiple submitters, no conflicts (2 of 4 stars). 2 submissions from 2 submitters: Uncertain significance (2). Last evaluated 2024-11-04.

Conditions:
INPP5E-related disorder. Also called: INPP5E-related condition.
Joubert syndrome. Also called: Familial aplasia of the vermis; JOUBERT-BOLTSHAUSER SYNDROME. Identifiers: Orphanet 475, MedGen C5979921, MONDO:0018772.

Allele frequency attached by ClinVar (database versions not stated): gnomAD 0.00001; TOPMed 0.00001.

Submissions (2):

PreventionGenetics, part of Exact Sciences
Classification: Uncertain significance for INPP5E-related condition. Last evaluated: 2024-11-04. Review status: criteria provided, single submitter. Criteria: ACMG Guidelines, 2015. Collection method: clinical testing. Allele origin: germline.
Comment: The INPP5E c.38C>T variant is predicted to result in the amino acid substitution p.Pro13Leu. To our knowledge, this variant has not been reported in the literature. This variant is reported in 0.0% of alleles in individuals of African descent in gnomAD. At this time, the clinical significance of this variant is uncertain due to the absence of conclusive functional and genetic evidence.

Labcorp Genetics (formerly Invitae), Labcorp
Classification: Uncertain significance for Joubert syndrome. Last evaluated: 2022-09-27. Review status: criteria provided, single submitter. Criteria: Invitae Variant Classification Sherloc (09022015). Collection method: clinical testing. Allele origin: germline.
Comment: In summary, the available evidence is currently insufficient to determine the role of this variant in disease. Therefore, it has been classified as a Variant of Uncertain Significance. Advanced modeling of protein sequence and biophysical properties (such as structural, functional, and spatial information, amino acid conservation, physicochemical variation, residue mobility, and thermodynamic stability) has been performed at Invitae for this missense variant, however the output from this modeling did not meet the statistical confidence thresholds required to predict the impact of this variant on INPP5E protein function. This variant has not been reported in the literature in individuals affected with INPP5E-related conditions. This variant is not present in population databases (gnomAD no frequency). This sequence change replaces proline, which is neutral and non-polar, with leucine, which is neutral and non-polar, at codon 13 of the INPP5E protein (p.Pro13Leu).